The following is an entry in ClinVar:

NM_003982.4(SLC7A7):c.606C>T (p.Gly202=)

Gene: SLC7A7 (solute carrier family 7 member 7; minus strand). Cytogenetic location: 14q11.2.
Variant type: single nucleotide variant.
Coding change: c.606C>T on transcript NM_003982.4 (MANE Select); coding-DNA position 606, C replaced by T.
Protein change: p.Gly202=; no amino-acid change (glycine 202 retained).
Molecular consequence: synonymous variant.
Genome position (GRCh38, 1-based): chr14:22,779,945, G>A on the plus strand (C>T on the coding strand, the complement: SLC7A7 is on the minus strand). VCF-style: chr14-22779945-G-A. GRCh37 (hg19) VCF-style: chr14-23249154-G-A.
Other names: c.606C>T, p.Gly202= (NM_001126105.3, NM_001126106.4).
Identifiers: ClinVar variation 1946746 (VCV001946746.2), dbSNP rs138454410, ClinGen allele CA7104656.

ClinVar aggregate classification (germline): Uncertain significance (1 of 4 stars; one submission).

Conditions:
Lysinuric protein intolerance (LPI). Identifiers: Orphanet 470, MedGen C0268647, MONDO:0009109, OMIM 222700.

Allele frequency attached by ClinVar (database versions not stated): gnomAD exomes below 0.00001; gnomAD 0.00001; ExAC 0.00002; TOPMed 0.00002; ESP Exome Variant Server 0.00008.
gnomAD v4.1: 6 of 1,614,012 alleles (0.00037%); highest among the groups gnomAD compares: African/African-American, 0.0027%; no homozygotes.

Submission:

Labcorp Genetics (formerly Invitae), Labcorp
Classification: Uncertain significance for Lysinuric protein intolerance. Last evaluated: 2022-04-16. Review status: criteria provided, single submitter. Criteria: Invitae Variant Classification Sherloc (09022015). Collection method: clinical testing. Allele origin: germline.
Comment: This sequence change replaces glycine, which is neutral and non-polar, with glycine, which is neutral and non-polar, at codon 202 of the SLC7A7 protein (Silent). This variant is present in population databases (rs138454410, gnomAD 0.007%). This variant has not been reported in the literature in individuals affected with SLC7A7-related conditions. Algorithms developed to predict the effect of sequence changes on RNA splicing suggest that this variant may disrupt the consensus splice site. In summary, the available evidence is currently insufficient to determine the role of this variant in disease. Therefore, it has been classified as a Variant of Uncertain Significance.